The following is an entry in ClinVar:

ClinVar aggregate classification (germline): Pathogenic/Likely pathogenic. Review status: criteria provided, multiple submitters, no conflicts (2 of 4 stars). 3 submissions from 3 submitters: Pathogenic (1); Likely pathogenic (2). Last evaluated 2025-04-11.

Conditions:
Joubert syndrome. Also called: Familial aplasia of the vermis; CEREBELLOPARENCHYMAL DISORDER IV; JOUBERT-BOLTSHAUSER SYNDROME. Identifiers: Orphanet 475, MedGen C5979921, MONDO:0018772.
Meckel-Gruber syndrome. Also called: Dysencephalia splachnocystica; DYSENCEPHALIA SPLANCHNOCYSTICA; GRUBER SYNDROME. Identifiers: Orphanet 564, MedGen C0265215, MONDO:0018921.
Nephronophthisis. Also called: Juvenile Nephronophthisis. Identifiers: Orphanet 655, MedGen C0687120, MONDO:0019005, HP:0000090.
Leber congenital amaurosis 10 (LCA10). Identifiers: Orphanet 65, MedGen C1857821, MONDO:0012723, OMIM 611755.
Meckel syndrome, type 4 (MKS4). Also called: MECKEL-GRUBER SYNDROME, TYPE 4. Identifiers: Orphanet 564, MedGen C1970161, MONDO:0012626, OMIM 611134.
Joubert syndrome 5 (JBTS5). Identifiers: Orphanet 2318, MedGen C1857780, MONDO:0012432, OMIM 610188.
Bardet-Biedl syndrome 14 (BBS14). Identifiers: Orphanet 110, MedGen C2673874, MONDO:0014442, OMIM 615991.
Senior-Loken syndrome 6 (SLSN6). Identifiers: Orphanet 3156, MedGen C1857779, MONDO:0012433, OMIM 610189.
Leber congenital amaurosis (LCA). Also called: Leber's amaurosis. Identifiers: Orphanet 65, MedGen C0339527, MeSH D057130, MONDO:0018998.

Allele frequency attached by ClinVar (database versions not stated): gnomAD 0.00001.
gnomAD v4.1: 2 of 1,588,894 alleles (0.00013%); highest among the groups gnomAD compares: Non-Finnish European, 0.000086%; no homozygotes.

Submissions (3):

Natera, Inc.
Classification: Likely pathogenic for Leber congenital amaurosis. Last evaluated: 2025-04-11. Review status: criteria provided, single submitter. Criteria: Natera Variant Classification Schema (03/2026). Collection method: clinical testing. Allele origin: germline.
Comment: The c.7324G>T variant in CEP290 is a nonsense variant predicted to introduce a stop codon at amino acid 2442. This variant is expected to result in nonsense mediated decay, truncation, or a dysfunctional protein product. This variant is rare in the general population with a frequency below the threshold expected for the associated phenotype(s). Given the available evidence, this variant is classified as Likely Pathogenic.

Labcorp Genetics (formerly Invitae), Labcorp
Classification: Pathogenic for Joubert syndrome; Meckel-Gruber syndrome; Nephronophthisis. Last evaluated: 2025-03-04. Review status: criteria provided, single submitter. Criteria: Invitae Variant Classification Sherloc (09022015). Collection method: clinical testing. Allele origin: germline.
Comment: This sequence change creates a premature translational stop signal (p.Glu2442*) in the CEP290 gene. While this is not anticipated to result in nonsense mediated decay, it is expected to disrupt the last 38 amino acid(s) of the CEP290 protein. This variant is not present in population databases (gnomAD no frequency). This variant has not been reported in the literature in individuals affected with CEP290-related conditions. ClinVar contains an entry for this variant (Variation ID: 1071910). This variant disrupts a region of the CEP290 protein in which other variant(s) (p.Leu2448Thrfs*8) have been determined to be pathogenic (PMID: 16682973, 16909394, 29588463). This suggests that this is a clinically significant region of the protein, and that variants that disrupt it are likely to be disease-causing. For these reasons, this variant has been classified as Pathogenic.

Fulgent Genetics
Classification: Likely pathogenic for Joubert syndrome 5; Senior-Loken syndrome 6; Meckel syndrome, type 4; Leber congenital amaurosis 10; Bardet-Biedl syndrome 14. Last evaluated: 2021-12-30. Review status: criteria provided, single submitter. Criteria: ACMG Guidelines, 2015. Collection method: clinical testing. Allele origin: unknown.

Literature cited by the submitters: PubMed 16682973 (cited by Labcorp Genetics (formerly Invitae), Labcorp); PubMed 16909394 (cited by Labcorp Genetics (formerly Invitae), Labcorp); PubMed 29588463 (cited by Labcorp Genetics (formerly Invitae), Labcorp).

NM_025114.4(CEP290):c.7324G>T (p.Glu2442Ter)

Genes: CEP290 (centrosomal protein 290; minus strand), RLIG1 (RNA 5'-phosphate and 3'-OH ligase 1; plus strand). Cytogenetic location: 12q21.32.
Variant type: single nucleotide variant.
Coding change: c.7324G>T on transcript NM_025114.4 (MANE Select); coding-DNA position 7324, G replaced by T.
Protein change: p.Glu2442Ter; replaces glutamic acid 2442 with a stop codon.
Molecular consequence: nonsense. On other transcripts: 3 prime UTR variant (1).
Genome position (GRCh38, 1-based): chr12:88,049,300, C>A on the plus strand (G>T on the coding strand, the complement: CEP290 is on the minus strand). VCF-style: chr12-88049300-C-A. GRCh37 (hg19) VCF-style: chr12-88443077-C-A.
Other names: c.*878C>A (NM_001009894.3); c.7324G>T (NM_025114.3); short protein forms E2442*.
Identifiers: ClinVar variation 1071910 (VCV001071910.10), dbSNP rs1374014119, ClinGen allele CA385972484.
Genomic context (GRCh38, chr12:88,049,300, plus strand): 5'-CAGCAACAGGGCTAGTTAATTCAACTCCCAATTGTTCTGAAAGTTTTTTTACCTTCTCTT[C>A]TAAGAGAATATTCTTCTTCACTTCTTCCTTGTAATTATACTTAAGATCTTCAATTTCTTC-3'